The following is an entry in ClinVar:

ClinVar aggregate classification (germline): Uncertain significance (1 of 4 stars; one submission).

Allele frequency attached by ClinVar (database versions not stated): gnomAD exomes below 0.00001; TOPMed below 0.00001; gnomAD 0.00001.
gnomAD v4.1: 1 of 1,614,056 alleles (0.000062%); highest among the groups gnomAD compares: East Asian, 0.0022%; no homozygotes.

Submission:

Labcorp Genetics (formerly Invitae), Labcorp
Classification: Uncertain significance. Last evaluated: 2019-11-05. Review status: criteria provided, single submitter. Criteria: Invitae Variant Classification Sherloc (09022015). Collection method: clinical testing. Allele origin: germline.
Comment: This sequence change replaces glycine with serine at codon 410 of the TPP1 protein (p.Gly410Ser). The glycine residue is highly conserved and there is a small physicochemical difference between glycine and serine. This variant is not present in population databases (ExAC no frequency). This variant has not been reported in the literature in individuals with TPP1-related conditions. Algorithms developed to predict the effect of missense changes on protein structure and function are either unavailable or do not agree on the potential impact of this missense change (SIFT: "Tolerated"; PolyPhen-2: "Probably Damaging"; Align-GVGD: "Class C0"). In summary, the available evidence is currently insufficient to determine the role of this variant in disease. Therefore, it has been classified as a Variant of Uncertain Significance.

NM_000391.4(TPP1):c.1228G>A (p.Gly410Ser)

Gene: TPP1 (tripeptidyl peptidase 1; minus strand). Cytogenetic location: 11p15.4.
Variant type: single nucleotide variant.
Coding change: c.1228G>A on transcript NM_000391.4 (MANE Select); coding-DNA position 1228, G replaced by A.
Protein change: p.Gly410Ser; replaces glycine 410 with serine.
Molecular consequence: missense variant.
Genome position (GRCh38, 1-based): chr11:6,615,480, C>T on the plus strand (G>A on the coding strand, the complement: TPP1 is on the minus strand). VCF-style: chr11-6615480-C-T. GRCh37 (hg19) VCF-style: chr11-6636711-C-T.
Other names: short protein forms G410S.
Identifiers: ClinVar variation 954685 (VCV000954685.9), dbSNP rs1239937973, ClinGen allele CA379472936.